The following is an entry in ClinVar:

NM_003072.5(SMARCA4):c.838C>G (p.Pro280Ala)

Gene: SMARCA4 (SWI/SNF related BAF chromatin remodeling complex subunit ATPase 4; plus strand). Cytogenetic location: 19p13.2.
Variant type: single nucleotide variant.
Coding change: c.838C>G on transcript NM_003072.5 (MANE Select); coding-DNA position 838, C replaced by G.
Protein change: p.Pro280Ala; replaces proline 280 with alanine.
Molecular consequence: missense variant. On other transcripts: non-coding transcript variant (1).
Genome position (GRCh38, 1-based): chr19:10,986,982, C>G. VCF-style: chr19-10986982-C-G. GRCh37 (hg19) VCF-style: chr19-11097658-C-G.
Other names: c.838C>G, p.Pro280Ala (NM_001128844.3, NM_001128845.2, NM_001128846.2 and 6 more transcripts); short protein forms P280A.
Identifiers: ClinVar variation 2126701 (VCV002126701.4), dbSNP rs2145797698, ClinGen allele CA404058109.

ClinVar aggregate classification (germline): Uncertain significance (1 of 4 stars; one submission).

Conditions:
Rhabdoid tumor predisposition syndrome 2 (RTPS2). Identifiers: Orphanet 231108, Orphanet 69077, MedGen C2750074, MONDO:0013224, OMIM 613325.

Submission:

Labcorp Genetics (formerly Invitae), Labcorp
Classification: Uncertain significance for Rhabdoid tumor predisposition syndrome 2. Last evaluated: 2025-07-28. Review status: criteria provided, single submitter. Criteria: Invitae Variant Classification Sherloc (09022015). Collection method: clinical testing. Allele origin: germline.
Comment: This sequence change replaces proline, which is neutral and non-polar, with alanine, which is neutral and non-polar, at codon 280 of the SMARCA4 protein (p.Pro280Ala). This variant is not present in population databases (gnomAD no frequency). This variant has not been reported in the literature in individuals affected with SMARCA4-related conditions. ClinVar contains an entry for this variant (Variation ID: 2126701). Invitae Evidence Modeling of protein sequence and biophysical properties (such as structural, functional, and spatial information, amino acid conservation, physicochemical variation, residue mobility, and thermodynamic stability) indicates that this missense variant is not expected to disrupt SMARCA4 protein function with a negative predictive value of 80%. In summary, the available evidence is currently insufficient to determine the role of this variant in disease. Therefore, it has been classified as a Variant of Uncertain Significance.